The following is an entry in ClinVar:

ClinVar aggregate classification (germline): Uncertain significance (1 of 4 stars; one submission).

Allele frequency attached by ClinVar (database versions not stated): gnomAD exomes below 0.00001; gnomAD 0.00001; TOPMed 0.00004.
gnomAD v4.1: 2 of 1,159,005 alleles (0.00017%); highest among the groups gnomAD compares: Admixed American, 0.0027%; no homozygotes.

Submission:

GeneDx
Classification: Uncertain significance. Last evaluated: 2024-02-29. Review status: criteria provided, single submitter. Criteria: GeneDx Variant Classification Process June 2021. Collection method: clinical testing. Allele origin: germline. Affected: yes.
Comment: In silico analysis supports that this missense variant does not alter protein structure/function; Has not been previously published as pathogenic or benign to our knowledge

NM_005334.3(HCFC1):c.5012C>T (p.Ser1671Leu)

Gene: HCFC1 (host cell factor C1; minus strand). Cytogenetic location: Xq28.
Variant type: single nucleotide variant.
Coding change: c.5012C>T on transcript NM_005334.3 (MANE Select); coding-DNA position 5012, C replaced by T.
Protein change: p.Ser1671Leu; replaces serine 1671 with leucine.
Molecular consequence: missense variant.
Genome position (GRCh38, 1-based): chrX:153,952,089, G>A on the plus strand (C>T on the coding strand, the complement: HCFC1 is on the minus strand). VCF-style: chrX-153952089-G-A. GRCh37 (hg19) VCF-style: chrX-153217540-G-A.
Other names: short protein forms S1671L.
Identifiers: ClinVar variation 1303522 (VCV001303522.3), dbSNP rs1279604378, ClinGen allele CA415108258.